The following is an entry in ClinVar:

NM_006231.4(POLE):c.754G>A (p.Ala252Thr)

Gene: POLE (DNA polymerase epsilon, catalytic subunit; minus strand). Cytogenetic location: 12q24.33.
Variant type: single nucleotide variant.
Coding change: c.754G>A on transcript NM_006231.4 (MANE Select); coding-DNA position 754, G replaced by A.
Protein change: p.Ala252Thr; replaces alanine 252 with threonine.
Molecular consequence: missense variant.
Genome position (GRCh38, 1-based): chr12:132,677,410, C>T on the plus strand (G>A on the coding strand, the complement: POLE is on the minus strand). VCF-style: chr12-132677410-C-T. GRCh37 (hg19) VCF-style: chr12-133253996-C-T.
Other names: short protein forms A252T.
Identifiers: ClinVar variation 3225509 (VCV003225509.1), dbSNP rs763293555, ClinGen allele CA387364492.

ClinVar aggregate classification (germline): Uncertain significance (1 of 4 stars; one submission).

Conditions:
Hereditary cancer-predisposing syndrome. Also called: Neoplastic Syndromes, Hereditary; Tumor predisposition; Hereditary neoplastic syndrome; Hereditary Cancer Syndrome. Identifiers: Orphanet 140162, MedGen C0027672, MeSH D009386, MONDO:0015356.

gnomAD v4.1: 3 of 1,614,102 alleles (0.00019%); highest among the groups gnomAD compares: Non-Finnish European, 0.00025%; no homozygotes.

Submission:

Ambry Genetics
Classification: Uncertain significance for Hereditary cancer-predisposing syndrome. Last evaluated: 2023-12-01. Review status: criteria provided, single submitter. Criteria: Ambry Variant Classification Scheme 2023. Collection method: clinical testing. Allele origin: germline.
Comment: The p.A252T variant (also known as c.754G>A), located in coding exon 8 of the POLE gene, results from a G to A substitution at nucleotide position 754. The alanine at codon 252 is replaced by threonine, an amino acid with similar properties. This amino acid position is conserved. In addition, this alteration is predicted to be tolerated by in silico analysis. Since supporting evidence is limited at this time, the clinical significance of this alteration remains unclear.